The following is an entry in ClinVar:

NM_006420.3(ARFGEF2):c.1843G>A (p.Val615Met)

Gene: ARFGEF2 (ARF guanine nucleotide exchange factor 2; plus strand). Cytogenetic location: 20q13.13.
Variant type: single nucleotide variant.
Coding change: c.1843G>A on transcript NM_006420.3 (MANE Select); coding-DNA position 1843, G replaced by A.
Protein change: p.Val615Met; replaces valine 615 with methionine.
Molecular consequence: missense variant.
Genome position (GRCh38, 1-based): chr20:48,976,084, G>A. VCF-style: chr20-48976084-G-A. GRCh37 (hg19) VCF-style: chr20-47592621-G-A.
Other names: c.1840G>A, p.Val614Met (NM_001410846.1); short protein forms V614M, V615M.
Identifiers: ClinVar variation 1968752 (VCV001968752.2), dbSNP rs372837655, ClinGen allele CA9898494.

ClinVar aggregate classification (germline): Uncertain significance (1 of 4 stars; one submission).

Allele frequency attached by ClinVar (database versions not stated): gnomAD 0.00001; gnomAD exomes 0.00003; TOPMed 0.00003; ExAC 0.00004; ESP Exome Variant Server 0.00008.
gnomAD v4.1: 41 of 1,613,290 alleles (0.0025%); highest among the groups gnomAD compares: Middle Eastern, 0.091%; no homozygotes.

Submission:

Labcorp Genetics (formerly Invitae), Labcorp
Classification: Uncertain significance. Last evaluated: 2022-04-22. Review status: criteria provided, single submitter. Criteria: Invitae Variant Classification Sherloc (09022015). Collection method: clinical testing. Allele origin: germline.
Comment: This sequence change replaces valine, which is neutral and non-polar, with methionine, which is neutral and non-polar, at codon 615 of the ARFGEF2 protein (p.Val615Met). This variant is present in population databases (rs372837655, gnomAD 0.1%). This variant has not been reported in the literature in individuals affected with ARFGEF2-related conditions. Algorithms developed to predict the effect of missense changes on protein structure and function (SIFT, PolyPhen-2, Align-GVGD) all suggest that this variant is likely to be tolerated. In summary, the available evidence is currently insufficient to determine the role of this variant in disease. Therefore, it has been classified as a Variant of Uncertain Significance.